The following is an entry in ClinVar:

ClinVar aggregate classification (germline): Likely benign. Review status: criteria provided, multiple submitters, no conflicts (2 of 4 stars). 2 submissions from 2 submitters: Likely benign (2). Last evaluated 2026-05-29.

Conditions:
Gastrointestinal stromal tumor. Also called: Gastrointestinal stromal tumor, somatic; Gastrointestinal stroma tumor. Identifiers: Orphanet 44890, MedGen C0238198, MeSH D046152, MONDO:0011719, OMIM 606764, HP:0100723.

Allele frequency attached by ClinVar (database versions not stated): gnomAD exomes below 0.00001 and 0.00001.

Submissions (2):

Myriad Genetics, Inc.
Classification: Likely benign for Gastrointestinal stromal tumor. Last evaluated: 2026-05-29. Review status: criteria provided, single submitter. Criteria: Myriad Autosomal Dominant, Autosomal Recessive and X-Linked Classification Criteria (2023). Collection method: clinical testing. Allele origin: unknown.
Comment: This variant is considered likely benign. This variant is intronic and is not expected to impact mRNA splicing.

Labcorp Genetics (formerly Invitae), Labcorp
Classification: Likely benign for Gastrointestinal stromal tumor. Last evaluated: 2025-10-28. Review status: criteria provided, single submitter. Criteria: Invitae Variant Classification Sherloc (09022015). Collection method: clinical testing. Allele origin: germline.

NM_000222.3(KIT):c.2361+10A>G

Gene: KIT (KIT proto-oncogene, receptor tyrosine kinase; plus strand). Cytogenetic location: 4q12.
Variant type: single nucleotide variant.
Coding change: c.2361+10A>G on transcript NM_000222.3 (MANE Select); 10 bases into the intron after coding-DNA position 2361, A replaced by G.
Molecular consequence: intron variant.
Genome position (GRCh38, 1-based): chr4:54,732,008, A>G. VCF-style: chr4-54732008-A-G. GRCh37 (hg19) VCF-style: chr4-55598174-A-G.
Other names: c.2364+10A>G (NM_001385284.1); c.2361+10A>G (NM_001385290.1); c.2352+10A>G (NM_001385288.1); c.2349+10A>G (NM_001385292.1, NM_001093772.2); c.2358+10A>G (NM_001385285.1); c.2346+10A>G (NM_001385286.1).
Identifiers: ClinVar variation 528655 (VCV000528655.10), dbSNP rs1214231397, ClinGen allele CA551369552.